The following is an entry in ClinVar:

ClinVar aggregate classification (germline): Uncertain significance (1 of 4 stars; one submission).

Conditions:
Cornelia de Lange syndrome 4 (CDLS4). Also called: RAD21-Related Cornelia de Lange Syndrome; CORNELIA DE LANGE SYNDROME 4 WITH OR WITHOUT MIDLINE BRAIN DEFECTS. Identifiers: Orphanet 199, MedGen C3553517, MONDO:0013864, OMIM 614701.

Submission:

Labcorp Genetics (formerly Invitae), Labcorp
Classification: Uncertain significance for Cornelia de Lange syndrome 4. Last evaluated: 2023-11-18. Review status: criteria provided, single submitter. Criteria: Invitae Variant Classification Sherloc (09022015). Collection method: clinical testing. Allele origin: germline.
Comment: This sequence change replaces leucine, which is neutral and non-polar, with serine, which is neutral and polar, at codon 229 of the RAD21 protein (p.Leu229Ser). This variant is not present in population databases (gnomAD no frequency). This variant has not been reported in the literature in individuals affected with RAD21-related conditions. An algorithm developed to predict the effect of missense changes on protein structure and function (PolyPhen-2) suggests that this variant is likely to be tolerated. In summary, the available evidence is currently insufficient to determine the role of this variant in disease. Therefore, it has been classified as a Variant of Uncertain Significance.

NM_006265.3(RAD21):c.686T>C (p.Leu229Ser)

Gene: RAD21 (RAD21 cohesin complex component; minus strand). Cytogenetic location: 8q24.11.
Variant type: single nucleotide variant.
Coding change: c.686T>C on transcript NM_006265.3 (MANE Select); coding-DNA position 686, T replaced by C.
Protein change: p.Leu229Ser; replaces leucine 229 with serine.
Molecular consequence: missense variant.
Genome position (GRCh38, 1-based): chr8:116,857,269, A>G on the plus strand (T>C on the coding strand, the complement: RAD21 is on the minus strand). VCF-style: chr8-116857269-A-G. GRCh37 (hg19) VCF-style: chr8-117869508-A-G.
Other names: short protein forms L229S.
Identifiers: ClinVar variation 2870090 (VCV002870090.3), dbSNP rs2537297677, ClinGen allele CA372005821.
Genomic context (GRCh38, chr8:116,857,269, plus strand): 5'-CTTTACAACTTAATAAAGAAATTCTGTTTATGCTGGAATAACCATCATTCCCACATACCT[A>G]ATATTCCACCATCATTTCCTTCTCCAAAATTATCATCCTTATATTGATCTTCATATTCTA-3'
Protein context (NP_006256.1, residues 219-239): NFGEGNDGGI[Leu229Ser]DDKLISNNDG